The following is an entry in ClinVar:

ClinVar aggregate classification (germline): Pathogenic. Review status: criteria provided, multiple submitters, no conflicts (2 of 4 stars). 2 submissions from 2 submitters: Pathogenic (2). Last evaluated 2024-04-29.

Conditions:
Severe intellectual disability-poor language-strabismus-grimacing face-long fingers syndrome (GAND). Also called: GAND SYNDROME. Identifiers: Orphanet 363686, MedGen C3554448, MONDO:0014034, OMIM 615074.

Submissions (2):

Labcorp Genetics (formerly Invitae), Labcorp
Classification: Pathogenic. Last evaluated: 2024-04-29. Review status: criteria provided, single submitter. Criteria: Invitae Variant Classification Sherloc (09022015). Collection method: clinical testing. Allele origin: germline.
Comment: This sequence change creates a premature translational stop signal (p.Gln67*) in the GATAD2B gene. It is expected to result in an absent or disrupted protein product. Loss-of-function variants in GATAD2B are known to be pathogenic (PMID: 23033978, 25356899, 27159321). This variant is not present in population databases (gnomAD no frequency). This variant has not been reported in the literature in individuals affected with GATAD2B-related conditions. For these reasons, this variant has been classified as Pathogenic.

Kasturba Medical College, Manipal, Kasturba Medical College, Manipal, Manipal Academy of Higher Education, Manipal, India
Classification: Pathogenic for Severe intellectual disability-poor language-strabismus-grimacing face-long fingers syndrome. Review status: criteria provided, single submitter. Criteria: ACMG Guidelines, 2015. Collection method: research. Allele origin: de novo. Inheritance: Autosomal dominant inheritance. Affected: yes. Observed: 1 heterozygote.
Comment: This variant is not observed in homozygous and/or heterozygous state in gnomAD database (v4.1.0) and our in-house data of 3673 exomes. This variant introduces a premature stop codon which may either trigger nonsense-mediated mRNA decay or result in a truncated protein product. This variant is reported as pathogenic in ClinVar by one submitter (ClinVar variation ID: 2864432).

Literature cited by the submitters: PubMed 23033978 (cited by Labcorp Genetics (formerly Invitae), Labcorp); PubMed 25356899 (cited by Labcorp Genetics (formerly Invitae), Labcorp); PubMed 27159321 (cited by Labcorp Genetics (formerly Invitae), Labcorp).

NM_020699.4(GATAD2B):c.199C>T (p.Gln67Ter)

Gene: GATAD2B (GATA zinc finger domain containing 2B; minus strand). Cytogenetic location: 1q21.3.
Variant type: single nucleotide variant.
Coding change: c.199C>T on transcript NM_020699.4 (MANE Select); coding-DNA position 199, C replaced by T.
Protein change: p.Gln67Ter; replaces glutamine 67 with a stop codon.
Molecular consequence: nonsense.
Genome position (GRCh38, 1-based): chr1:153,828,149, G>A on the plus strand (C>T on the coding strand, the complement: GATAD2B is on the minus strand). VCF-style: chr1-153828149-G-A. GRCh37 (hg19) VCF-style: chr1-153800625-G-A.
Other names: short protein forms Q67*.
Identifiers: ClinVar variation 2864432 (VCV002864432.3), dbSNP rs2525291465, ClinGen allele CA342540708.